The following is an entry in ClinVar:

ClinVar aggregate classification (germline): Uncertain significance (1 of 4 stars; one submission).

Conditions:
Mendelian susceptibility to mycobacterial diseases due to complete ISG15 deficiency. Also called: IMMUNODEFICIENCY 38, MYCOBACTERIOSIS, AUTOSOMAL RECESSIVE; ISG15 DEFICIENCY, AUTOSOMAL RECESSIVE; Immunodeficiency 38 with basal ganglia calcification; Immunodeficiency 38. Identifiers: Orphanet 319563, MedGen C4015293, MONDO:0014502, OMIM 616126.

Submission:

Labcorp Genetics (formerly Invitae), Labcorp
Classification: Uncertain significance for Mendelian susceptibility to mycobacterial diseases due to complete ISG15 deficiency. Last evaluated: 2022-10-03. Review status: criteria provided, single submitter. Criteria: Invitae Variant Classification Sherloc (09022015). Collection method: clinical testing. Allele origin: germline.
Comment: This sequence change creates a premature translational stop signal (p.Tyr96Thrfs*5) in the ISG15 gene. While this is not anticipated to result in nonsense mediated decay, it is expected to disrupt the last 70 amino acid(s) of the ISG15 protein. This variant is present in population databases (no rsID available, gnomAD 0.01%). This premature translational stop signal has been observed in individual(s) with ISG15-related conditions (PMID: 32402279). This variant is also known as c.284del. Algorithms developed to predict the effect of variants on protein structure and function are not available or were not evaluated for this variant. Experimental studies have shown that this premature translational stop signal affects ISG15 function (PMID: 32402279). In summary, the available evidence is currently insufficient to determine the role of this variant in disease. Therefore, it has been classified as a Variant of Uncertain Significance.

Literature cited by the submitters: PubMed 32402279.

NM_005101.4(ISG15):c.285del (p.Tyr96fs)

Gene: ISG15 (ISG15 ubiquitin like modifier; plus strand). Cytogenetic location: 1p36.33.
Variant type: Deletion.
Coding change: c.285del on transcript NM_005101.4 (MANE Select); coding-DNA position 285, one base deleted (C; older notation c.285delC).
Protein change: p.Tyr96fs; shifts the reading frame from tyrosine 96.
Molecular consequence: frameshift variant.
Genome position (GRCh38, 1-based): chr1:1,014,265, C deleted; the last of 2 consecutive C bases (chr1:1,014,264-1,014,265); deleting either gives the same sequence. VCF-style (leftmost placement, unchanged base first): chr1-1014263-AC-A. GRCh37 (hg19) VCF-style: chr1-949643-AC-A.
Other names: short protein forms Y96fs.
Identifiers: ClinVar variation 2085710 (VCV002085710.1), dbSNP rs1156275536, ClinGen allele CA520625485.